The following is an entry in ClinVar:

NM_001377.3(DYNC2H1):c.9242G>A (p.Arg3081His)

Gene: DYNC2H1 (dynein cytoplasmic 2 heavy chain 1; plus strand). Cytogenetic location: 11q22.3.
Variant type: single nucleotide variant.
Coding change: c.9242G>A on transcript NM_001377.3 (MANE Select); coding-DNA position 9242, G replaced by A.
Protein change: p.Arg3081His; replaces arginine 3081 with histidine.
Molecular consequence: missense variant.
Genome position (GRCh38, 1-based): chr11:103,222,975, G>A. VCF-style: chr11-103222975-G-A. GRCh37 (hg19) VCF-style: chr11-103093704-G-A.
Other names: c.9242G>A, p.Arg3081His (NM_001080463.2); short protein forms R3081H.
Identifiers: ClinVar variation 429859 (VCV000429859.7), dbSNP rs749753983, ClinGen allele CA6254640.

ClinVar aggregate classification (germline): Uncertain significance. Review status: criteria provided, multiple submitters, no conflicts (2 of 4 stars). 3 submissions from 3 submitters: Uncertain significance (3). Last evaluated 2023-09-22.

Allele frequency attached by ClinVar (database versions not stated): gnomAD exomes 0.00003 and 0.00006; ExAC 0.00005; gnomAD 0.00014 and 0.00015; TOPMed 0.00014.
gnomAD v4.1: 104 of 1,612,934 alleles (0.0064%); highest among the groups gnomAD compares: African/African-American, 0.035%; no homozygotes.

Submissions (3):

Blueprint Genetics
Classification: Uncertain significance. Last evaluated: 2023-09-22. Review status: criteria provided, single submitter. Criteria: ACMG Guidelines, 2015. Collection method: clinical testing. Allele origin: germline.

GeneDx
Classification: Uncertain significance. Last evaluated: 2017-05-11. Review status: criteria provided, single submitter. Criteria: GeneDx Variant Classification (06012015). Collection method: clinical testing. Allele origin: germline. Affected: yes.
Comment: The R3081H variant has not been published as a pathogenic variant, nor has it been reported as a benign variant to our knowledge. The R3081H variant is not observed at a significant frequency in large population cohorts (Lek et al., 2016; 1000 Genomes Consortium et al., 2015; Exome Variant Server). The R3081H variant is a conservative amino acid substitution, which is not likely to impact secondary protein structure as these residues share similar properties. This substitution occurs at a position that is conserved across species. In silico analysis predicts this variant is probably damaging to the protein structure/function.

Eurofins Ntd Llc (ga)
Classification: Uncertain significance. Last evaluated: 2017-04-20. Review status: criteria provided, single submitter. Criteria: EGL Classification Definitions 2015. Collection method: clinical testing. Allele origin: germline. Observed: 1 variant allele, 1 heterozygote.